The following is an entry in ClinVar:

ClinVar aggregate classification (germline): Uncertain significance. Review status: criteria provided, multiple submitters, no conflicts (2 of 4 stars). 4 submissions from 4 submitters: Uncertain significance (4). Last evaluated 2025-11-09.

Conditions:
Ehlers-Danlos syndrome, type 4 (EDSVASC). Also called: Ehlers-Danlos Syndrome Type IV; Ehlers-Danlos syndrome vascular type; Ehlers Danlos syndrome, ecchymotic type; Ehlers Danlos syndrome, arterial type; Ehlers Danlos syndrome, Sack-Barabas type. Identifiers: Orphanet 286, MedGen C0268338, MONDO:0017314, OMIM 130050.
Familial thoracic aortic aneurysm and aortic dissection (TAAD). Also called: Thoracic aortic aneurysms and dissections. Identifiers: Orphanet 91387, MedGen C4707243, MONDO:0019625.

Allele frequency attached by ClinVar (database versions not stated): gnomAD exomes below 0.00001; TOPMed below 0.00001; ExAC 0.00001; gnomAD 0.00001.
gnomAD v4.1: 3 of 1,613,242 alleles (0.00019%); highest among the groups gnomAD compares: Non-Finnish European, 0.00025%; no homozygotes.

Submissions (4):

Labcorp Genetics (formerly Invitae), Labcorp
Classification: Uncertain significance for Ehlers-Danlos syndrome, type 4. Last evaluated: 2025-11-09. Review status: criteria provided, single submitter. Criteria: Invitae Variant Classification Sherloc (09022015). Collection method: clinical testing. Allele origin: germline.
Comment: This sequence change replaces alanine, which is neutral and non-polar, with threonine, which is neutral and polar, at codon 460 of the COL3A1 protein (p.Ala460Thr). This variant is present in population databases (rs745315358, gnomAD 0.0009%). This variant has not been reported in the literature in individuals affected with COL3A1-related conditions. ClinVar contains an entry for this variant (Variation ID: 923245). Invitae Evidence Modeling of protein sequence and biophysical properties (such as structural, functional, and spatial information, amino acid conservation, physicochemical variation, residue mobility, and thermodynamic stability) indicates that this missense variant is not expected to disrupt COL3A1 protein function with a negative predictive value of 95%. In summary, the available evidence is currently insufficient to determine the role of this variant in disease. Therefore, it has been classified as a Variant of Uncertain Significance.

Mayo Clinic Laboratories, Mayo Clinic
Classification: Uncertain significance. Last evaluated: 2025-10-15. Review status: criteria provided, single submitter. Criteria: ACMG Guidelines, 2015. Collection method: clinical testing. Allele origin: germline. Observed: 1 variant allele.
Comment: BP4_moderate, PP2, PM2_supporting

Color Diagnostics, LLC DBA Color Health
Classification: Uncertain significance for Familial thoracic aortic aneurysm and aortic dissection. Last evaluated: 2024-03-06. Review status: criteria provided, single submitter. Criteria: ACMG Guidelines, 2015. Collection method: clinical testing. Allele origin: germline.
Comment: This missense variant replaces alanine with threonine at codon 460 of the COL3A1 protein. Computational prediction suggests that this variant may not impact protein structure and function (internally defined REVEL score threshold <= 0.5, PMID: 27666373). To our knowledge, functional studies have not been reported for this variant. This variant has not been reported in individuals affected with COL3A1-related disorders in the literature. This variant has been identified in 1/251034 chromosomes in the general population by the Genome Aggregation Database (gnomAD). The available evidence is insufficient to determine the role of this variant in disease conclusively. Therefore, this variant is classified as a Variant of Uncertain Significance.

All of Us Research Program, National Institutes of Health
Classification: Uncertain significance for Ehlers-Danlos syndrome, type 4. Last evaluated: 2023-02-24. Review status: criteria provided, single submitter. Criteria: ACMG Guidelines, 2015. Collection method: clinical testing. Allele origin: germline. Inheritance: Autosomal dominant inheritance. Observed: 1 variant allele, 1 heterozygote.
Comment: This missense variant replaces alanine with threonine at codon 460 of the COL3A1 protein. Computational prediction tool suggests that this variant may not impact protein structure and function (internally defined REVEL score threshold <=0.5, PMID: 27666373). Splice site prediction tools suggest that this variant may not impact RNA splicing. To our knowledge, functional studies have not been performed for this variant. This variant has not been reported in individuals affected with cardiovascular disorders in the literature. This variant has been identified in 1/251034 chromosomes in the general population by the Genome Aggregation Database (gnomAD). The available evidence is insufficient to determine the role of this variant in disease conclusively. Therefore, this variant is classified as a Variant of Uncertain Significance.

This study involves interpretation of variants in research participants for the purpose of population health screening. Participant phenotype was not available at the time of variant classification. Additional details can be found in publication PMID: 35346344, PMCID: PMC8962531

NM_000090.4(COL3A1):c.1378G>A (p.Ala460Thr)

Gene: COL3A1 (collagen type III alpha 1 chain; plus strand). Cytogenetic location: 2q32.2.
Variant type: single nucleotide variant.
Coding change: c.1378G>A on transcript NM_000090.4 (MANE Select); coding-DNA position 1378, G replaced by A.
Protein change: p.Ala460Thr; replaces alanine 460 with threonine.
Molecular consequence: missense variant.
Genome position (GRCh38, 1-based): chr2:188,994,754, G>A. VCF-style: chr2-188994754-G-A. GRCh37 (hg19) VCF-style: chr2-189859480-G-A.
Other names: p.Ala460Thr; short protein forms A460T.
Identifiers: ClinVar variation 923245 (VCV000923245.9), dbSNP rs745315358, ClinGen allele CA074264.
Genomic context (GRCh38, chr2:188,994,754, plus strand): 5'-CTTTATTTTACCATCTTTTTTTTTTTTCAGGGTGAGGCTGGTATTCCAGGTGTTCCAGGA[G>A]CTAAAGGCGAAGATGGCAAGGATGGATCACCTGGAGAACCTGGTGCAAATGGGCTTCCAG-3'
Protein context (NP_000081.2, residues 450-470): GEAGIPGVPG[Ala460Thr]KGEDGKDGSP